The following is an entry in ClinVar:

NM_000465.4(BARD1):c.151T>G (p.Ser51Ala)

Gene: BARD1 (BRCA1 associated RING domain 1; minus strand). Cytogenetic location: 2q35.
Variant type: single nucleotide variant.
Coding change: c.151T>G on transcript NM_000465.4 (MANE Select); coding-DNA position 151, T replaced by G.
Protein change: p.Ser51Ala; replaces serine 51 with alanine.
Molecular consequence: missense variant. On other transcripts: non-coding transcript variant (3).
Genome position (GRCh38, 1-based): chr2:214,809,419, A>C on the plus strand (T>G on the coding strand, the complement: BARD1 is on the minus strand). VCF-style: chr2-214809419-A-C. GRCh37 (hg19) VCF-style: chr2-215674143-A-C.
Other names: c.151T>G, p.Ser51Ala (NM_001282543.2, NM_001282545.2, NM_001282548.2 and 1 more transcripts); short protein forms S51A.
Identifiers: ClinVar variation 1774409 (VCV001774409.2), dbSNP rs2106170803, ClinGen allele CA350464749.
Genomic context (GRCh38, chr2:214,809,419, plus strand): 5'-GAAACTGTGCGACCCGTGCCCTCGCAGCCACCCCCAAGAAGCTCCGTCTTTACCAACGCG[A>C]GCAGCGCAGCAGCTTCTCCAGGCGGTCGAGCGCGGCGCGACTGTGGGCCCAGGCACCGCG-3'
Protein context (NP_000456.2, residues 41-61): LDRLEKLLRC[Ser51Ala]RCTNILREPV

ClinVar aggregate classification (germline): Uncertain significance (1 of 4 stars; one submission).

Conditions:
Hereditary cancer-predisposing syndrome. Also called: Hereditary Cancer Syndrome; Hereditary neoplastic syndrome; Neoplastic Syndromes, Hereditary; Tumor predisposition. Identifiers: Orphanet 140162, MedGen C0027672, MeSH D009386, MONDO:0015356.

Submission:

Ambry Genetics
Classification: Uncertain significance for Hereditary cancer-predisposing syndrome. Last evaluated: 2021-12-10. Review status: criteria provided, single submitter. Criteria: Ambry Variant Classification Scheme 2023. Collection method: clinical testing. Allele origin: germline.
Comment: The p.S51A variant (also known as c.151T>G), located in coding exon 1 of the BARD1 gene, results from a T to G substitution at nucleotide position 151. The serine at codon 51 is replaced by alanine, an amino acid with similar properties. This amino acid position is conserved. In addition, the in silico prediction for this alteration is inconclusive. Since supporting evidence is limited at this time, the clinical significance of this alteration remains unclear.